The following is an entry in ClinVar:

ClinVar aggregate classification (germline): Uncertain significance (1 of 4 stars; one submission).

Submission:

Labcorp Genetics (formerly Invitae), Labcorp
Classification: Uncertain significance. Last evaluated: 2022-08-23. Review status: criteria provided, single submitter. Criteria: Invitae Variant Classification Sherloc (09022015). Collection method: clinical testing. Allele origin: germline.
Comment: This sequence change replaces proline, which is neutral and non-polar, with serine, which is neutral and polar, at codon 36 of the FOXI3 protein (p.Pro36Ser). The frequency data for this variant in the population databases is considered unreliable, as metrics indicate insufficient coverage at this position in the gnomAD database. This variant has not been reported in the literature in individuals affected with FOXI3-related conditions. Experimental studies and prediction algorithms are not available or were not evaluated, and the functional significance of this variant is currently unknown. In summary, the available evidence is currently insufficient to determine the role of this variant in disease. Therefore, it has been classified as a Variant of Uncertain Significance.

NM_001135649.3(FOXI3):c.106C>T (p.Pro36Ser)

Gene: FOXI3 (forkhead box I3; minus strand). Cytogenetic location: 2p11.2.
Variant type: single nucleotide variant.
Coding change: c.106C>T on transcript NM_001135649.3 (MANE Select); coding-DNA position 106, C replaced by T.
Protein change: p.Pro36Ser; replaces proline 36 with serine.
Molecular consequence: missense variant.
Genome position (GRCh38, 1-based): chr2:88,452,430, G>A on the plus strand (C>T on the coding strand, the complement: FOXI3 is on the minus strand). VCF-style: chr2-88452430-G-A. GRCh37 (hg19) VCF-style: chr2-88751948-G-A.
Other names: short protein forms P36S.
Identifiers: ClinVar variation 2024397 (VCV002024397.4), dbSNP rs1676069972, ClinGen allele CA347767047.